The following is an entry in ClinVar:

ClinVar aggregate classification (germline): Uncertain significance (1 of 4 stars; one submission).

Allele frequency attached by ClinVar (database versions not stated): gnomAD 0.00005; TOPMed 0.00003; ExAC 0.00016.

Submission:

Ambry Genetics
Classification: Uncertain significance. Last evaluated: 2026-07-02. Review status: criteria provided, single submitter. Criteria: Ambry Variant Classification Scheme 2023. Collection method: clinical testing. Allele origin: germline.
Comment: The c.931C>T (p.R311C) alteration is located in exon 9 (coding exon 9) of the P2RX6 gene. This alteration results from a C to T substitution at nucleotide position 931, causing the arginine (R) at amino acid position 311 to be replaced by a cysteine (C). Based on data from gnomAD, the T allele has an overall frequency of 0.009% (19/213854) total alleles studied. The highest observed frequency was 0.044% (4/9126) of Ashkenazi Jewish alleles. Based on insufficient or conflicting evidence, the clinical significance of this alteration remains unclear.

NM_005446.5(P2RX6):c.931C>T (p.Arg311Cys)

Gene: P2RX6 (purinergic receptor P2X 6; plus strand). Cytogenetic location: 22q11.21.
Variant type: single nucleotide variant.
Coding change: c.931C>T on transcript NM_005446.5 (MANE Select); coding-DNA position 931, C replaced by T.
Protein change: p.Arg311Cys; replaces arginine 311 with cysteine.
Molecular consequence: missense variant. On other transcripts: synonymous variant (2).
Genome position (GRCh38, 1-based): chr22:21,025,845, C>T. VCF-style: chr22-21025845-C-T. GRCh37 (hg19) VCF-style: chr22-21380134-C-T.
Other names: c.853C>T, p.Arg285Cys (NM_001159554.2, NM_001394695.1); c.478C>T, p.Arg160Cys (NM_001349874.2, NM_001349875.2, NM_001394696.1 and 1 more transcripts); c.465C>T, p.Pro155= (NM_001349876.2); c.918C>T, p.Pro306= (NM_001394691.1); c.931C>T, p.Arg311Cys (NM_001394692.1); c.859C>T, p.Arg287Cys (NM_001394693.1); c.781C>T, p.Arg261Cys (NM_001394694.1); short protein forms R160C, R261C, R311C, R287C, R285C.
Identifiers: ClinVar variation 3207659 (VCV003207659.2), dbSNP rs773158807, ClinGen allele CA10120330.